The following is an entry in ClinVar:

ClinVar aggregate classification (germline): Uncertain significance. Review status: criteria provided, multiple submitters, no conflicts (2 of 4 stars). 3 submissions from 3 submitters: Uncertain significance (2). 1 of the submissions does not count toward it. Last evaluated 2023-08-17.

Conditions:
Cholestanol storage disease (CTX). Also called: CEREBRAL CHOLESTERINOSIS; CTX: Cerebrotendinous xanthomatosis; Cerebrotendinous Xanthomatosis. Identifiers: Orphanet 909, MedGen C0238052, MONDO:0008948, OMIM 213700.

Allele frequency attached by ClinVar (database versions not stated): gnomAD 0.00001; gnomAD exomes 0.00001; TOPMed 0.00001.
gnomAD v4.1: 8 of 1,614,094 alleles (0.0005%); highest among the groups gnomAD compares: Non-Finnish European, 0.00068%; no homozygotes.

Submissions (3):

Blueprint Genetics
Classification: Uncertain significance. Last evaluated: 2023-08-17. Review status: criteria provided, single submitter. Criteria: ACMG Guidelines, 2015. Collection method: clinical testing. Allele origin: germline.

Labcorp Genetics (formerly Invitae), Labcorp
Classification: Uncertain significance for Cholestanol storage disease. Last evaluated: 2022-07-11. Review status: criteria provided, single submitter. Criteria: Invitae Variant Classification Sherloc (09022015). Collection method: clinical testing. Allele origin: germline.
Comment: This sequence change replaces valine, which is neutral and non-polar, with leucine, which is neutral and non-polar, at codon 399 of the CYP27A1 protein (p.Val399Leu). This variant is present in population databases (no rsID available, gnomAD 0.007%). This variant has not been reported in the literature in individuals affected with CYP27A1-related conditions. ClinVar contains an entry for this variant (Variation ID: 1002897). Algorithms developed to predict the effect of missense changes on protein structure and function are either unavailable or do not agree on the potential impact of this missense change (SIFT: "Deleterious"; PolyPhen-2: "Probably Damaging"; Align-GVGD: "Class C0"). In summary, the available evidence is currently insufficient to determine the role of this variant in disease. Therefore, it has been classified as a Variant of Uncertain Significance.

Natera, Inc.
Classification: Uncertain significance for Cerebrotendinous xanthomatosis. Last evaluated: 2020-06-29. Review status: no assertion criteria provided. Collection method: clinical testing. Allele origin: germline. Not counted in ClinVar's aggregate classification.

NM_000784.4(CYP27A1):c.1195G>T (p.Val399Leu)

Gene: CYP27A1 (cytochrome P450 family 27 subfamily A member 1; plus strand). Cytogenetic location: 2q35.
Variant type: single nucleotide variant.
Coding change: c.1195G>T on transcript NM_000784.4 (MANE Select); coding-DNA position 1195, G replaced by T.
Protein change: p.Val399Leu; replaces valine 399 with leucine.
Molecular consequence: missense variant.
Genome position (GRCh38, 1-based): chr2:218,814,390, G>T. VCF-style: chr2-218814390-G-T. GRCh37 (hg19) VCF-style: chr2-219679113-G-T.
Other names: short protein forms V399L.
Identifiers: ClinVar variation 1002897 (VCV001002897.7), dbSNP rs1453048118, ClinGen allele CA350593003.